The following is an entry in ClinVar:

ClinVar aggregate classification (germline): Uncertain significance (1 of 4 stars; one submission).

Allele frequency attached by ClinVar (database versions not stated): gnomAD exomes below 0.00001; ExAC 0.00003.

Submission:

Labcorp Genetics (formerly Invitae), Labcorp
Classification: Uncertain significance. Last evaluated: 2022-12-02. Review status: criteria provided, single submitter. Criteria: Invitae Variant Classification Sherloc (09022015). Collection method: clinical testing. Allele origin: germline.
Comment: In summary, the available evidence is currently insufficient to determine the role of this variant in disease. Therefore, it has been classified as a Variant of Uncertain Significance. Algorithms developed to predict the effect of missense changes on protein structure and function are either unavailable or do not agree on the potential impact of this missense change (SIFT: "Deleterious"; PolyPhen-2: "Probably Damaging"; Align-GVGD: "Class C0"). ClinVar contains an entry for this variant (Variation ID: 1439495). This variant has not been reported in the literature in individuals affected with ESPN-related conditions. The frequency data for this variant in the population databases is considered unreliable, as metrics indicate poor data quality at this position in the gnomAD database. This sequence change replaces glycine, which is neutral and non-polar, with valine, which is neutral and non-polar, at codon 206 of the ESPN protein (p.Gly206Val).

NM_031475.3(ESPN):c.617G>T (p.Gly206Val)

Gene: ESPN (espin; plus strand). Cytogenetic location: 1p36.31.
Variant type: single nucleotide variant.
Coding change: c.617G>T on transcript NM_031475.3 (MANE Select); coding-DNA position 617, G replaced by T.
Protein change: p.Gly206Val; replaces glycine 206 with valine.
Molecular consequence: missense variant.
Genome position (GRCh38, 1-based): chr1:6,440,382, G>T. VCF-style: chr1-6440382-G-T. GRCh37 (hg19) VCF-style: chr1-6500442-G-T.
Other names: c.617G>T, p.Gly206Val (NM_001367473.1, NM_001367474.1); short protein forms G206V.
Identifiers: ClinVar variation 1439495 (VCV001439495.6), dbSNP rs773659316, ClinGen allele CA559945.